The following is an entry in ClinVar:

NM_006734.4(HIVEP2):c.1462A>T (p.Ser488Cys)

Gene: HIVEP2 (HIVEP zinc finger 2; minus strand). Cytogenetic location: 6q24.2.
Variant type: single nucleotide variant.
Coding change: c.1462A>T on transcript NM_006734.4 (MANE Select); coding-DNA position 1462, A replaced by T.
Protein change: p.Ser488Cys; replaces serine 488 with cysteine.
Molecular consequence: missense variant.
Genome position (GRCh38, 1-based): chr6:142,773,277, T>A on the plus strand (A>T on the coding strand, the complement: HIVEP2 is on the minus strand). VCF-style: chr6-142773277-T-A. GRCh37 (hg19) VCF-style: chr6-143094414-T-A.
Other names: c.1462A>T (NM_006734.3); short protein forms S488C.
Identifiers: ClinVar variation 3687591 (VCV003687591.3).

ClinVar aggregate classification (germline): Uncertain significance. Review status: criteria provided, multiple submitters, no conflicts (2 of 4 stars). 2 submissions from 2 submitters: Uncertain significance (2). Last evaluated 2025-05-07.

Conditions:
Inborn genetic diseases. Identifiers: MedGen C0950123, MeSH D030342.

gnomAD v4.1: 24 of 1,614,210 alleles (0.0015%); highest among the groups gnomAD compares: East Asian, 0.051%; no homozygotes.

Submissions (2):

Ambry Genetics
Classification: Uncertain significance for Inborn genetic diseases. Last evaluated: 2025-05-07. Review status: criteria provided, single submitter. Criteria: Ambry Variant Classification Scheme 2023. Collection method: clinical testing. Allele origin: germline.

Labcorp Genetics (formerly Invitae), Labcorp
Classification: Uncertain significance. Last evaluated: 2024-11-21. Review status: criteria provided, single submitter. Criteria: Invitae Variant Classification Sherloc (09022015). Collection method: clinical testing. Allele origin: germline.
Comment: This sequence change replaces serine, which is neutral and polar, with cysteine, which is neutral and slightly polar, at codon 488 of the HIVEP2 protein (p.Ser488Cys). This variant is present in population databases (rs117243510, gnomAD 0.006%). This variant has not been reported in the literature in individuals affected with HIVEP2-related conditions. Invitae Evidence Modeling of protein sequence and biophysical properties (such as structural, functional, and spatial information, amino acid conservation, physicochemical variation, residue mobility, and thermodynamic stability) indicates that this missense variant is expected to disrupt HIVEP2 protein function with a positive predictive value of 80%. In summary, the available evidence is currently insufficient to determine the role of this variant in disease. Therefore, it has been classified as a Variant of Uncertain Significance.